The following is an entry in ClinVar:

ClinVar aggregate classification (germline): Uncertain significance (1 of 4 stars; one submission).

Submission:

Labcorp Genetics (formerly Invitae), Labcorp
Classification: Uncertain significance. Last evaluated: 2022-07-26. Review status: criteria provided, single submitter. Criteria: Invitae Variant Classification Sherloc (09022015). Collection method: clinical testing. Allele origin: germline.
Comment: In summary, the available evidence is currently insufficient to determine the role of this variant in disease. Therefore, it has been classified as a Variant of Uncertain Significance. Algorithms developed to predict the effect of missense changes on protein structure and function are either unavailable or do not agree on the potential impact of this missense change (SIFT: "Tolerated"; PolyPhen-2: "Possibly Damaging"; Align-GVGD: "Class C0"). ClinVar contains an entry for this variant (Variation ID: 1371326). This variant has not been reported in the literature in individuals affected with PEX11B-related conditions. This variant is not present in population databases (gnomAD no frequency). This sequence change replaces glycine, which is neutral and non-polar, with aspartic acid, which is acidic and polar, at codon 29 of the PEX11B protein (p.Gly29Asp).

NM_003846.3(PEX11B):c.86G>A (p.Gly29Asp)

Gene: PEX11B (peroxisomal biogenesis factor 11 beta; minus strand). Cytogenetic location: 1q21.1.
Variant type: single nucleotide variant.
Coding change: c.86G>A on transcript NM_003846.3 (MANE Select); coding-DNA position 86, G replaced by A.
Protein change: p.Gly29Asp; replaces glycine 29 with aspartic acid.
Molecular consequence: missense variant. On other transcripts: non-coding transcript variant (3).
Genome position (GRCh38, 1-based): chr1:145,917,787, C>T on the plus strand (G>A on the coding strand, the complement: PEX11B is on the minus strand). VCF-style: chr1-145917787-C-T. GRCh37 (hg19) VCF-style: chr1-145517302-G-A.
Other names: c.44G>A, p.Gly15Asp (NM_001184795.1); short protein forms G15D, G29D.
Identifiers: ClinVar variation 1371326 (VCV001371326.6), dbSNP rs2101864521, ClinGen allele CA342124390.